The following is an entry in ClinVar:

ClinVar aggregate classification (germline): Pathogenic (1 of 4 stars; one submission).

Conditions:
Inborn genetic diseases. Identifiers: MedGen C0950123, MeSH D030342.

Submission:

Ambry Genetics
Classification: Pathogenic for Inborn genetic diseases. Last evaluated: 2020-06-04. Review status: criteria provided, single submitter. Criteria: Ambry Variant Classification Scheme 2023. Collection method: clinical testing. Allele origin: germline.
Comment: The alteration results in premature protein truncation:_x000D_ _x000D_ The c.1031delG (p.G344Afs*21) alteration, located in exon 8 (coding exon 7) of the FOXP2 gene, results from a deletion of one nucleotide at position 1031, causing a translational frameshift with a predicted alternate stop codon after 21 amino acids. This alteration is expected to result in loss of function by premature protein truncation or nonsense-mediated mRNA decay. Based on the available evidence, this alteration is classified as pathogenic.

NM_014491.4(FOXP2):c.1031del (p.Gly344fs)

Gene: FOXP2 (forkhead box P2; plus strand). Cytogenetic location: 7q31.1.
Variant type: Deletion.
Coding change: c.1031del on transcript NM_014491.4 (MANE Select); coding-DNA position 1031, one base deleted (G; older notation c.1031delG).
Protein change: p.Gly344fs; shifts the reading frame from glycine 344.
Molecular consequence: frameshift variant. On other transcripts: non-coding transcript variant (2).
Genome position (GRCh38, 1-based): chr7:114,644,726, G deleted; the last of 2 consecutive G bases (chr7:114,644,725-114,644,726); deleting either gives the same sequence. VCF-style (leftmost placement, unchanged base first): chr7-114644724-TG-T. GRCh37 (hg19) VCF-style: chr7-114284779-TG-T.
Other names: c.1028del, p.Gly343fs (NM_001172766.3); c.1106del, p.Gly369fs (NM_001172767.2, NM_148898.4); c.1031del, p.Gly344fs (NM_148899.3); c.1082del, p.Gly361fs (NM_148900.4); short protein forms G343fs, G344fs, G361fs, G369fs.
Identifiers: ClinVar variation 985601 (VCV000985601.4), dbSNP rs1805777437, ClinGen allele CA1139660193.